The following is an entry in ClinVar:

ClinVar aggregate classification (germline): Pathogenic/Likely pathogenic. Review status: criteria provided, multiple submitters, no conflicts (2 of 4 stars). 2 submissions from 2 submitters: Pathogenic (1); Likely pathogenic (1). Last evaluated 2024-09-24.

Conditions:
Pontocerebellar hypoplasia, type 11. Identifiers: Orphanet 611247, MedGen C4540164, MONDO:0054669, OMIM 617695.

Submissions (2):

3billion
Classification: Pathogenic for Pontocerebellar hypoplasia, type 11. Last evaluated: 2024-09-24. Review status: criteria provided, single submitter. Criteria: ACMG Guidelines, 2015. Collection method: clinical testing. Allele origin: germline. Affected: yes.
Comment: The variant is not observed in the gnomAD v4.0.0 dataset. Predicted Consequence/Location: Frameshift: predicted to result in a loss or disruption of normal protein function through nonsense-mediated decay (NMD) or protein truncation. Multiple pathogenic variants are reported downstream of the variant. The variant has been reported to be associated with TBC1D23 related disorder (ClinVar ID: VCV001325171). Therefore, this variant is classified as Pathogenic according to the recommendation of ACMG/AMP guideline.

Revvity Omics, Revvity
Classification: Likely pathogenic for Pontocerebellar hypoplasia, type 11. Last evaluated: 2021-01-19. Review status: criteria provided, single submitter. Criteria: ACMG Guidelines, 2015. Collection method: clinical testing. Allele origin: germline.

NM_001199198.3(TBC1D23):c.614_615del (p.Phe205fs)

Gene: TBC1D23 (TBC1 domain family member 23; plus strand). Cytogenetic location: 3q12.1.
Variant type: Deletion.
Coding change: c.614_615del on transcript NM_001199198.3 (MANE Select); coding-DNA positions 614 to 615, 2 bases deleted (TT; older notation c.614_615delTT).
Protein change: p.Phe205fs; shifts the reading frame from phenylalanine 205.
Molecular consequence: frameshift variant.
Genome position (GRCh38, 1-based): chr3:100,295,100-100,295,101, TT deleted; deleting any 2 consecutive bases within chr3:100,295,097-100,295,101 gives the same sequence; the c. name uses the placement nearest the transcript's 3' end. VCF-style (leftmost placement, unchanged base first): chr3-100295096-CTT-C. GRCh37 (hg19) VCF-style: chr3-100013940-CTT-C.
Other names: c.614_615del, p.Phe205fs (NM_018309.5); short protein forms F205fs.
Identifiers: ClinVar variation 1325171 (VCV001325171.5), dbSNP rs2148861371, ClinGen allele CA2573052046.